The following is an entry in ClinVar:

ClinVar aggregate classification (germline): not provided (0 of 4 stars; one submission).

Submission:

ITMI
No classification provided. Condition: AllHighlyPenetrant. Last evaluated: 2013-09-19. Review status: no classification provided. Collection method: reference population. Allele origin: germline.
Comment: Please see associated publication for description of ethnicities

Literature cited by the submitters: PubMed 24728327.

NM_017709.4(TENT5C):c.775G>T (p.Asp259Tyr)

Gene: TENT5C (terminal nucleotidyltransferase 5C; plus strand). Cytogenetic location: 1p12.
Variant type: single nucleotide variant.
Coding change: c.775G>T on transcript NM_017709.4 (MANE Select); coding-DNA position 775, G replaced by T.
Protein change: p.Asp259Tyr; replaces aspartic acid 259 with tyrosine.
Molecular consequence: missense variant.
Genome position (GRCh38, 1-based): chr1:117,623,643, G>T. VCF-style: chr1-117623643-G-T. GRCh37 (hg19) VCF-style: chr1-118166265-G-T.
Other names: short protein forms D259Y.
Identifiers: ClinVar variation 134233 (VCV000134233.1), dbSNP rs587778308, ClinGen allele CA159217.